The following is an entry in ClinVar:

ClinVar aggregate classification (germline): Pathogenic (3 of 4 stars; one submission).

Conditions:
RPE65-related recessive retinopathy. Also called: Recessive RPE65 retinopathy. Identifiers: MedGen CN305526, MONDO:0100368.

Submission:

ClinGen Leber Congenital Amaurosis/early Onset Retinal Dystrophy Variant Curation Expert Panel, ClinGen
Classification: Pathogenic for RPE65-related recessive retinopathy. Last evaluated: 2025-03-27. Review status: reviewed by expert panel. Criteria: ClinGen LCAeoRD ACMG Specifications RPE65 V1.0.0. Collection method: curation. Allele origin: germline. Inheritance: Autosomal recessive inheritance.
Comment: The NM_000329.3(RPE65):c.106del (p.Leu36SerfsTer?) variant introduces a premature stop codon into exon 3 of 14, and is predicted to lead to nonsense-mediated decay in a gene in which loss-of-function is an established mechanism of disease (PVS1). This variant is present in gnomAD v.4.1.0 at an allele frequency of 8.474e-7 , with 1 allele / 1180032 total alleles in the European (non-Finnish) population, which is lower than the ClinGen LCA / eoRD VCEP PM2_Supporting threshold of <0.0002 (PM2_Supporting).This variant has been reported in at least 1 proband with early-onset severe retinal dystrophy who harbored the variant in the compound heterozygous state (confirmed in trans) with a Pathogenic variant previously classified by the LCA/eoRD VCEP (1 pt, PM3)(PMID: 33308271). At least one proband harboring this variant exhibits a phenotype including a diagnosis of LCA (0.5 pts) with nystagmus (1 pt), myopia, retinal degeneration at 2-years-old (1 pt), sluggish pupillary responses (0.5 pts), extensive atrophic retinal changes, salt and pepper fundus appearance (2 pts), optic disc pallor, and extinguished rod and cone ERG (1.5 pts). Screening by NGS did not reveal any additional variants of interest (2 pts). Together these phenotypes are highly specific for RPE65-related recessive retinopathy (total 8.5 points, PMID: 33308271, PP4_Moderate).The variant has been reported to segregate with childhood-onset severe retinal dystrophy through the proband plus 1 similarly affected relative, with the variant present in the compound heterozygous state (PP1; PMID: 33308271).In summary, this variant meets the criteria to be classified as Pathogenic for RPE65-related recessive retinopathy based on the ACMG/AMP criteria applied, as specified by the ClinGen LCA/eoRD VCEP: PVS1, PM2_supporting, PP4_moderate, PP1, PM3. (VCEP specifications version 1.0.0; date of approval 09/21/2023).

NM_000329.3(RPE65):c.106del (p.Leu36fs)

Gene: RPE65 (retinoid isomerohydrolase RPE65; minus strand). Cytogenetic location: 1p31.3.
Variant type: Deletion.
Coding change: c.106del on transcript NM_000329.3 (MANE Select); coding-DNA position 106, one base deleted (C; older notation c.106delC).
Protein change: p.Leu36fs; shifts the reading frame from leucine 36.
Molecular consequence: frameshift variant. On other transcripts: 5 prime UTR variant (1), intron variant (1).
Genome position (GRCh38, 1-based): chr1:68,446,849, G deleted on the plus strand (C on the coding strand, the reverse complement: RPE65 is on the minus strand); the first of 5 consecutive G bases (chr1:68,446,849-68,446,853); deleting any one gives the same sequence. VCF-style (leftmost placement, unchanged base first): chr1-68446848-AG-A. GRCh37 (hg19) VCF-style: chr1-68912531-AG-A.
Other names: NM_000329.3:c.106del; c.106del, p.Leu36fs (NM_001406853.1, NM_001406859.1, NM_001406860.1); c.-171del (NM_001406857.1); c.-32+1775del (NM_001406856.1); short protein forms L36fs.
Identifiers: ClinVar variation 3775070 (VCV003775070.1).